The following is an entry in ClinVar:

ClinVar aggregate classification (germline): Likely benign. Review status: criteria provided, single submitter (1 of 4 stars). 2 submissions from 2 submitters: Likely benign (1). 1 of the submissions does not count toward it. Last evaluated 2025-04-16.

Conditions:
ASRGL1-related disorder. Also called: ASRGL1-related condition.

Allele frequency attached by ClinVar (database versions not stated): gnomAD 0.00001; gnomAD exomes 0.00001 and 0.00004; ExAC 0.00002; TOPMed 0.00002.
gnomAD v4.1: 15 of 1,614,026 alleles (0.00093%); highest among the groups gnomAD compares: East Asian, 0.029%; no homozygotes.

Submissions (2):

Labcorp Genetics (formerly Invitae), Labcorp
Classification: Likely benign. Last evaluated: 2025-04-16. Review status: criteria provided, single submitter. Criteria: Invitae Variant Classification Sherloc (09022015). Collection method: clinical testing. Allele origin: germline.

PreventionGenetics, part of Exact Sciences
Classification: Likely benign for ASRGL1-related condition. Last evaluated: 2019-07-11. Review status: no assertion criteria provided. Collection method: clinical testing. Allele origin: germline. Not counted in ClinVar's aggregate classification.
Comment: This variant is classified as likely benign based on ACMG/AMP sequence variant interpretation guidelines (Richards et al. 2015 PMID: 25741868, with internal and published modifications).

NM_001083926.2(ASRGL1):c.399G>A (p.Glu133=)

Gene: ASRGL1 (asparaginase and isoaspartyl peptidase 1; plus strand). Cytogenetic location: 11q12.3.
Variant type: single nucleotide variant.
Coding change: c.399G>A on transcript NM_001083926.2 (MANE Select); coding-DNA position 399, G replaced by A.
Protein change: p.Glu133=; no amino-acid change (glutamic acid 133 retained).
Molecular consequence: synonymous variant.
Genome position (GRCh38, 1-based): chr11:62,357,052, G>A. VCF-style: chr11-62357052-G-A. GRCh37 (hg19) VCF-style: chr11-62124524-G-A.
Other names: c.399G>A, p.Glu133= (NM_025080.4); c.399G>A (NM_025080.3).
Identifiers: ClinVar variation 1133964 (VCV001133964.11), dbSNP rs765843116, ClinGen allele CA6043186.